The following is an entry in ClinVar:

NM_006431.3(CCT2):c.226G>A (p.Val76Ile)

Gene: CCT2 (chaperonin containing TCP1 subunit 2; plus strand). Cytogenetic location: 12q15.
Variant type: single nucleotide variant.
Coding change: c.226G>A on transcript NM_006431.3 (MANE Select); coding-DNA position 226, G replaced by A.
Protein change: p.Val76Ile; replaces valine 76 with isoleucine.
Molecular consequence: missense variant.
Genome position (GRCh38, 1-based): chr12:69,587,586, G>A. VCF-style: chr12-69587586-G-A. GRCh37 (hg19) VCF-style: chr12-69981366-G-A.
Other names: c.85G>A, p.Val29Ile (NM_001198842.2); short protein forms V29I, V76I.
Identifiers: ClinVar variation 1995453 (VCV001995453.4), dbSNP rs2498990488, ClinGen allele CA385724034.
Genomic context (GRCh38, chr12:69,587,586, plus strand): 5'-GGACGAGATGCCTCTCTTATGGTAACCAATGATGGTGCCACTATTCTAAAAAACATTGGT[G>A]TTGACAATCCAGCAGCTAAAGTTTTAGTTGGTAAGTCTGAATATACTTTTTCACCAACCT-3'
Protein context (NP_006422.1, residues 66-86): DGATILKNIG[Val76Ile]DNPAAKVLVD

ClinVar aggregate classification (germline): Uncertain significance (1 of 4 stars; one submission).

Allele frequency attached by ClinVar (database versions not stated): gnomAD exomes below 0.00001.

Submission:

Labcorp Genetics (formerly Invitae), Labcorp
Classification: Uncertain significance. Last evaluated: 2022-08-09. Review status: criteria provided, single submitter. Criteria: Invitae Variant Classification Sherloc (09022015). Collection method: clinical testing. Allele origin: germline.
Comment: This variant is not present in population databases (gnomAD no frequency). In summary, the available evidence is currently insufficient to determine the role of this variant in disease. Therefore, it has been classified as a Variant of Uncertain Significance. Algorithms developed to predict the effect of missense changes on protein structure and function output the following: SIFT: "Tolerated"; PolyPhen-2: "Benign"; Align-GVGD: "Class C0". The isoleucine amino acid residue is found in multiple mammalian species, which suggests that this missense change does not adversely affect protein function. This variant has not been reported in the literature in individuals affected with CCT2-related conditions. This sequence change replaces valine, which is neutral and non-polar, with isoleucine, which is neutral and non-polar, at codon 76 of the CCT2 protein (p.Val76Ile).